The following is an entry in ClinVar:

NM_005523.6(HOXA11):c.838C>A (p.Leu280Ile)

Gene: HOXA11 (homeobox A11; minus strand). Cytogenetic location: 7p15.2.
Variant type: single nucleotide variant.
Coding change: c.838C>A on transcript NM_005523.6 (MANE Select); coding-DNA position 838, C replaced by A.
Protein change: p.Leu280Ile; replaces leucine 280 with isoleucine.
Molecular consequence: missense variant.
Genome position (GRCh38, 1-based): chr7:27,182,900, G>T on the plus strand (C>A on the coding strand, the complement: HOXA11 is on the minus strand). VCF-style: chr7-27182900-G-T. GRCh37 (hg19) VCF-style: chr7-27222519-G-T.
Other names: short protein forms L280I.
Identifiers: ClinVar variation 5007203 (VCV005007203.2).
Genomic context (GRCh38, chr7:27,182,900, plus strand): 5'-TAATTTTTTTTTCCTTCATTCTCCTGTTCTGAAACCAGATTTTGACTTGACGATCAGTGA[G>T]GTTGAGCATGCGGGACAGTTGCAGGCGCTTCTCTTTGTTAATGTAGACGCTGAAGAAGAA-3'
Protein context (NP_005514.1, residues 270-290): KRLQLSRMLN[Leu280Ile]TDRQVKIWFQ

ClinVar aggregate classification (germline): Uncertain significance (1 of 4 stars; one submission).

Conditions:
Radioulnar synostosis with amegakaryocytic thrombocytopenia 1 (RUSAT1). Also called: THROMBOCYTOPENIA, CONGENITAL, WITH RADIOULNAR SYNOSTOSIS. Identifiers: Orphanet 71289, MedGen C4551975, MONDO:0024558, OMIM 605432.

Submission:

Juno Genomics, Hangzhou Juno Genomics, Inc
Classification: Uncertain significance for Radioulnar synostosis with amegakaryocytic thrombocytopenia 1. Review status: criteria provided, single submitter. Criteria: ACMG Guidelines, 2015. Collection method: clinical testing. Allele origin: germline.
Comment: Absent from controls (or at extremely low frequency if recessive) in Genome Aggregation Database.;Multiple lines of computational evidence support a deleterious effect on the gene or gene product.